The following is an entry in ClinVar:

ClinVar aggregate classification (germline): Likely benign (0 of 4 stars; one submission).

Conditions:
KNL1-related disorder. Also called: KNL1-related condition.

Submission:

PreventionGenetics, part of Exact Sciences
Classification: Likely benign for KNL1-related condition. Last evaluated: 2022-01-26. Review status: no assertion criteria provided. Collection method: clinical testing. Allele origin: germline.
Comment: This variant is classified as likely benign based on ACMG/AMP sequence variant interpretation guidelines (Richards et al. 2015 PMID: 25741868, with internal and published modifications).

NM_144508.5(KNL1):c.5673C>G (p.Leu1891=)

Gene: KNL1 (kinetochore scaffold 1; plus strand). Cytogenetic location: 15q15.1.
Variant type: single nucleotide variant.
Coding change: c.5673C>G on transcript NM_144508.5 (MANE Select); coding-DNA position 5673, C replaced by G.
Protein change: p.Leu1891=; no amino-acid change (leucine 1891 retained).
Molecular consequence: synonymous variant.
Genome position (GRCh38, 1-based): chr15:40,629,362, C>G. VCF-style: chr15-40629362-C-G. GRCh37 (hg19) VCF-style: chr15-40921560-C-G.
Other names: c.5751C>G, p.Leu1917= (NM_170589.5).
Identifiers: ClinVar variation 3029606 (VCV003029606.2), dbSNP rs1892839117, ClinGen allele CA489769707.